The following is an entry in ClinVar:

NM_003235.5(TG):c.1434G>A (p.Val478=)

Gene: TG (thyroglobulin; plus strand). Cytogenetic location: 8q24.22.
Variant type: single nucleotide variant.
Coding change: c.1434G>A on transcript NM_003235.5 (MANE Select); coding-DNA position 1434, G replaced by A.
Protein change: p.Val478=; no amino-acid change (valine 478 retained).
Molecular consequence: synonymous variant.
Genome position (GRCh38, 1-based): chr8:132,886,806, G>A. VCF-style: chr8-132886806-G-A. GRCh37 (hg19) VCF-style: chr8-133899051-G-A.
Identifiers: ClinVar variation 781147 (VCV000781147.40), dbSNP rs116254142, ClinGen allele CA4883186.

ClinVar aggregate classification (germline): Conflicting classifications of pathogenicity. Review status: criteria provided, conflicting classifications (1 of 4 stars). 4 submissions from 4 submitters: Uncertain significance (1); Benign (1); Likely benign (2). Last evaluated 2026-07-01.

Conditions:
Iodotyrosyl coupling defect (TDH3). Also called: HYPOTHYROIDISM, CONGENITAL, DUE TO DYSHORMONOGENESIS, 3; THYROID HORMONOGENESIS, GENETIC DEFECT IN, 3. Identifiers: Orphanet 95716, MedGen C0342194, MONDO:0010135, OMIM 274700.

Allele frequency attached by ClinVar (database versions not stated): 1000 Genomes Project 30x 0.00281; 1000 Genomes Project 0.00319; TOPMed 0.00543; gnomAD 0.00655 and 0.00692; gnomAD exomes 0.00704 and 0.00877; ESP Exome Variant Server 0.00707; ExAC 0.00726.
gnomAD v4.1: 13,738 of 1,614,206 alleles (0.85%); highest among the groups gnomAD compares: Non-Finnish European, 0.99%; 78 homozygotes.

Submissions (4):

CeGaT Center for Human Genetics Tuebingen
Classification: Likely benign. Last evaluated: 2026-07-01. Review status: criteria provided, single submitter. Criteria: CeGaT Center For Human Genetics Tuebingen Variant Classification Criteria Version 2. Collection method: clinical testing. Allele origin: germline. Affected: yes. Observed: 4 variant alleles.
Comment: TG: BP4, BP7, BS2

Labcorp Genetics (formerly Invitae), Labcorp
Classification: Benign. Last evaluated: 2026-01-24. Review status: criteria provided, single submitter. Criteria: Invitae Variant Classification Sherloc (09022015). Collection method: clinical testing. Allele origin: germline.

Blueprint Genetics
Classification: Likely benign. Last evaluated: 2024-11-27. Review status: criteria provided, single submitter. Criteria: ACMG Guidelines, 2015. Collection method: clinical testing. Allele origin: germline.

Illumina Laboratory Services, Illumina
Classification: Uncertain significance for Iodotyrosyl coupling defect. Last evaluated: 2018-01-13. Review status: criteria provided, single submitter. Criteria: ICSL Variant Classification Criteria 13 December 2019. Collection method: clinical testing. Allele origin: germline.